The following is an entry in ClinVar:

ClinVar aggregate classification (germline): Uncertain significance. Review status: criteria provided, multiple submitters, no conflicts (2 of 4 stars). 2 submissions from 2 submitters: Uncertain significance (2). Last evaluated 2026-03-07.

Conditions:
Hereditary cancer-predisposing syndrome. Also called: Hereditary Cancer Syndrome; Neoplastic Syndromes, Hereditary; Tumor predisposition; Hereditary neoplastic syndrome. Identifiers: Orphanet 140162, MedGen C0027672, MeSH D009386, MONDO:0015356.
Neuroblastoma, susceptibility to, 3. Also called: ALK-Related Neuroblastic Tumor Susceptibility. Identifiers: Orphanet 635, MedGen C2751681, MONDO:0013083, OMIM 613014.

Submissions (2):

Ambry Genetics
Classification: Uncertain significance for Hereditary cancer-predisposing syndrome. Last evaluated: 2026-03-07. Review status: criteria provided, single submitter. Criteria: Ambry Variant Classification Scheme 2023. Collection method: clinical testing. Allele origin: germline.
Comment: The p.F539L variant (also known as c.1617T>A), located in coding exon 8 of the ALK gene, results from a T to A substitution at nucleotide position 1617. The phenylalanine at codon 539 is replaced by leucine, an amino acid with highly similar properties. This amino acid position is conserved. In addition, this alteration is predicted to be tolerated by in silico analysis. Based on the available evidence, the clinical significance of this variant remains unclear.

Labcorp Genetics (formerly Invitae), Labcorp
Classification: Uncertain significance for Neuroblastoma, susceptibility to, 3. Last evaluated: 2024-04-02. Review status: criteria provided, single submitter. Criteria: Invitae Variant Classification Sherloc (09022015). Collection method: clinical testing. Allele origin: germline.
Comment: This sequence change replaces phenylalanine, which is neutral and non-polar, with leucine, which is neutral and non-polar, at codon 539 of the ALK protein (p.Phe539Leu). This variant is not present in population databases (gnomAD no frequency). This variant has not been reported in the literature in individuals affected with ALK-related conditions. An algorithm developed to predict the effect of missense changes on protein structure and function (PolyPhen-2) suggests that this variant is likely to be disruptive. In summary, the available evidence is currently insufficient to determine the role of this variant in disease. Therefore, it has been classified as a Variant of Uncertain Significance.

NM_004304.5(ALK):c.1617T>A (p.Phe539Leu)

Gene: ALK (ALK receptor tyrosine kinase; minus strand). Cytogenetic location: 2p23.2.
Variant type: single nucleotide variant.
Coding change: c.1617T>A on transcript NM_004304.5 (MANE Select); coding-DNA position 1617, T replaced by A.
Protein change: p.Phe539Leu; replaces phenylalanine 539 with leucine.
Molecular consequence: missense variant.
Genome position (GRCh38, 1-based): chr2:29,318,334, A>T on the plus strand (T>A on the coding strand, the complement: ALK is on the minus strand). VCF-style: chr2-29318334-A-T. GRCh37 (hg19) VCF-style: chr2-29541200-A-T.
Other names: c.1617T>A (NM_004304.4); short protein forms F539L.
Identifiers: ClinVar variation 3648425 (VCV003648425.3).